The following is an entry in ClinVar:

ClinVar aggregate classification (germline): Uncertain significance. Review status: criteria provided, multiple submitters, no conflicts (2 of 4 stars). 2 submissions from 2 submitters: Uncertain significance (2). Last evaluated 2023-05-20.

Conditions:
Kabuki syndrome 2 (KABUK2). Also called: KDM6A-Related Kabuki Syndrome. Identifiers: Orphanet 2322, MedGen C3275495, MONDO:0010465, OMIM 300867.

Allele frequency attached by ClinVar (database versions not stated): ExAC 0.00001; gnomAD 0.00001; 1000 Genomes Project 30x 0.00021; 1000 Genomes Project 0.00026.
gnomAD v4.1: 1 of 1,209,963 alleles (0.000083%); highest among the groups gnomAD compares: South Asian, 0.0018%; no homozygotes.

Submissions (2):

Neuberg Centre For Genomic Medicine, NCGM
Classification: Uncertain significance for Kabuki syndrome 2. Last evaluated: 2023-05-20. Review status: criteria provided, single submitter. Criteria: ACMG Guidelines, 2015. Collection method: clinical testing. Allele origin: germline. Inheritance: X-linked dominant inheritance. Affected: yes.
Comment: The observed missense variant c.1835C>G (p.Pro612Arg) in KDM6A gene has not been reported previously as a pathogenic variant nor as a benign variant, to our knowledge. The p.Pro612Arg variant is absent in gnomAD Exomes database. This variant has not been submitted to the ClinVar database. Multiple lines of computational evidence (SIFT - damaging; Polyphen - possibly damaging; MutationTaster - disease causing) predict a damaging effect on protein structure and function for this variant. The amino acid change p.Pro612Arg in KDM6A is predicted as conserved by GERP++ and PhyloP across 100 vertebrates. The amino acid Pro at position 612 is changed to a Arg changing protein sequence and it might alter its composition and physico-chemical properties. For these reasons, this variant has been classified as a Variant of Uncertain Significance (VUS).

Labcorp Genetics (formerly Invitae), Labcorp
Classification: Uncertain significance for Kabuki syndrome 2. Last evaluated: 2022-11-10. Review status: criteria provided, single submitter. Criteria: Invitae Variant Classification Sherloc (09022015). Collection method: clinical testing. Allele origin: germline.
Comment: In summary, the available evidence is currently insufficient to determine the role of this variant in disease. Therefore, it has been classified as a Variant of Uncertain Significance. Advanced modeling of protein sequence and biophysical properties (such as structural, functional, and spatial information, amino acid conservation, physicochemical variation, residue mobility, and thermodynamic stability) performed at Invitae indicates that this missense variant is not expected to disrupt KDM6A protein function. This variant has not been reported in the literature in individuals affected with KDM6A-related conditions. This variant is not present in population databases (gnomAD no frequency). This sequence change replaces proline, which is neutral and non-polar, with arginine, which is basic and polar, at codon 560 of the KDM6A protein (p.Pro560Arg).

NM_001291415.2(KDM6A):c.1835C>G (p.Pro612Arg)

Gene: KDM6A (lysine demethylase 6A; plus strand). Cytogenetic location: Xp11.3.
Variant type: single nucleotide variant.
Coding change: c.1835C>G on transcript NM_001291415.2 (MANE Select); coding-DNA position 1835, C replaced by G.
Protein change: p.Pro612Arg; replaces proline 612 with arginine.
Molecular consequence: missense variant. On other transcripts: non-coding transcript variant (1).
Genome position (GRCh38, 1-based): chrX:45,063,573, C>G. VCF-style: chrX-45063573-C-G. GRCh37 (hg19) VCF-style: chrX-44922818-C-G.
Other names: c.1700C>G, p.Pro567Arg (NM_001291416.2); c.1544C>G, p.Pro515Arg (NM_001291417.2); c.1442C>G, p.Pro481Arg (NM_001291418.2); c.791C>G, p.Pro264Arg (NM_001291421.2); c.1577C>G, p.Pro526Arg (NM_001410742.1); c.1679C>G, p.Pro560Arg (NM_021140.4); short protein forms P515R, P526R, P567R, P612R, P481R, P560R, P264R.
Identifiers: ClinVar variation 1904406 (VCV001904406.6), dbSNP rs753928695, ClinGen allele CA10392424.